The following is an entry in ClinVar:

ClinVar aggregate classification (germline): Benign (0 of 4 stars; one submission).

Conditions:
PCOLCE-related disorder. Also called: PCOLCE-related condition.

Allele frequency attached by ClinVar (database versions not stated): ESP Exome Variant Server 0.00023; TOPMed 0.00030; gnomAD 0.00118; gnomAD exomes 0.00230; ExAC 0.00495; 1000 Genomes Project 0.00699; 1000 Genomes Project 30x 0.00718.
gnomAD v4.1: 3,543 of 1,613,946 alleles (0.22%); highest among the groups gnomAD compares: South Asian, 3.6%; 85 homozygotes.

Submissions (4):

PreventionGenetics, part of Exact Sciences
Classification: Benign for PCOLCE-related condition. Last evaluated: 2019-06-27. Review status: no assertion criteria provided. Collection method: clinical testing. Allele origin: germline.
Comment: This variant is classified as benign based on ACMG/AMP sequence variant interpretation guidelines (Richards et al. 2015 PMID: 25741868, with internal and published modifications).

Dr. Peter K. Rogan Lab, Western University
No classification provided (evidence only). Condition: Familial cancer of breast. Review status: no classification provided. Collection method: in vitro. Allele origin: not applicable. Functional consequence: retained intron. Not counted in ClinVar's aggregate classification.

Dr. Peter K. Rogan Lab, Western University
No classification provided (evidence only). Condition: Ovarian serous cystadenocarcinoma. Review status: no classification provided. Collection method: in vitro. Allele origin: not applicable. Functional consequence: retained intron. Not counted in ClinVar's aggregate classification.

Dr. Peter K. Rogan Lab, Western University
No classification provided (evidence only). Condition: Gastric cancer. Review status: no classification provided. Collection method: in vitro. Allele origin: not applicable. Functional consequence: cryptic splice site, retained intron. Not counted in ClinVar's aggregate classification.

NM_002593.4(PCOLCE):c.1014G>A (p.Val338=)

Gene: PCOLCE (procollagen C-endopeptidase enhancer; plus strand). Cytogenetic location: 7q22.1.
Variant type: single nucleotide variant.
Coding change: c.1014G>A on transcript NM_002593.4 (MANE Select); coding-DNA position 1014, G replaced by A.
Protein change: p.Val338=; no amino-acid change (valine 338 retained).
Molecular consequence: synonymous variant.
Genome position (GRCh38, 1-based): chr7:100,607,638, G>A. VCF-style: chr7-100607638-G-A. GRCh37 (hg19) VCF-style: chr7-100205261-G-A.
Other names: NC_000007.13:g.100205261G>A.
Identifiers: ClinVar variation 3042759 (VCV003042759.3), dbSNP rs146209978, ClinGen allele CA4385779.